The following is an entry in ClinVar:

ClinVar aggregate classification (germline): Likely benign (1 of 4 stars; one submission).

Allele frequency attached by ClinVar (database versions not stated): gnomAD exomes 0.00010; ExAC 0.00016; 1000 Genomes Project 0.00020; 1000 Genomes Project 30x 0.00031.
gnomAD v4.1: 159 of 1,614,182 alleles (0.0099%); highest among the groups gnomAD compares: Middle Eastern, 0.31%; no homozygotes.

Submission:

CeGaT Center for Human Genetics Tuebingen
Classification: Likely benign. Last evaluated: 2026-03-01. Review status: criteria provided, single submitter. Criteria: CeGaT Center For Human Genetics Tuebingen Variant Classification Criteria Version 2. Collection method: clinical testing. Allele origin: germline. Affected: yes. Observed: 4 variant alleles.
Comment: ZBTB11: BP4, BP7

NM_014415.4(ZBTB11):c.1137G>A (p.Glu379=)

Gene: ZBTB11 (zinc finger and BTB domain containing 11; minus strand). Cytogenetic location: 3q12.3.
Variant type: single nucleotide variant.
Coding change: c.1137G>A on transcript NM_014415.4 (MANE Select); coding-DNA position 1137, G replaced by A.
Protein change: p.Glu379=; no amino-acid change (glutamic acid 379 retained).
Molecular consequence: synonymous variant.
Genome position (GRCh38, 1-based): chr3:101,665,450, C>T on the plus strand (G>A on the coding strand, the complement: ZBTB11 is on the minus strand). VCF-style: chr3-101665450-C-T. GRCh37 (hg19) VCF-style: chr3-101384294-C-T.
Identifiers: ClinVar variation 2578945 (VCV002578945.25), dbSNP rs137917462, ClinGen allele CA2521243.